The following is an entry in ClinVar:

ClinVar aggregate classification (germline): Benign. Review status: criteria provided, multiple submitters, no conflicts (2 of 4 stars). 3 submissions from 3 submitters: Benign (3). Last evaluated 2026-01-26.

Conditions:
Retinal cone dystrophy 4 (RCD4). Identifiers: Orphanet 1872, MedGen C1864849, MONDO:0012507, OMIM 610478.

Allele frequency attached by ClinVar (database versions not stated): gnomAD exomes 0.00072 and 0.00155; ExAC 0.00316; ESP Exome Variant Server 0.00674; gnomAD 0.00723 and 0.00781; 1000 Genomes Project 0.00759; TOPMed 0.00864; 1000 Genomes Project 30x 0.00921.
gnomAD v4.1: 2,189 of 1,601,120 alleles (0.14%); highest among the groups gnomAD compares: African/African-American, 2.6%; 19 homozygotes.

Submissions (3):

Labcorp Genetics (formerly Invitae), Labcorp
Classification: Benign. Last evaluated: 2026-01-26. Review status: criteria provided, single submitter. Criteria: Invitae Variant Classification Sherloc (09022015). Collection method: clinical testing. Allele origin: germline.

Illumina Laboratory Services, Illumina
Classification: Benign for Retinal cone dystrophy 4. Last evaluated: 2018-01-13. Review status: criteria provided, single submitter. Criteria: ICSL Variant Classification Criteria 13 December 2019. Collection method: clinical testing. Allele origin: germline.
Comment: This variant was observed in the ICSL laboratory as part of a predisposition screen in an ostensibly healthy population. It had not been previously curated by ICSL or reported in the Human Gene Mutation Database (HGMD: prior to June 1st, 2018), and was therefore a candidate for classification through an automated scoring system. Utilizing variant allele frequency, disease prevalence and penetrance estimates, and inheritance mode, an automated score was calculated to assess if this variant is too frequent to cause the disease. Based on the score and internal cut-off values, a variant classified as benign is not then subjected to further curation. The score for this variant resulted in a classification of benign for this disease.

Breakthrough Genomics
Classification: Benign. Review status: criteria provided, single submitter. Criteria: ACMG Guidelines, 2015. Collection method: not provided. Allele origin: germline. Inheritance: Autosomal recessive inheritance. Affected: yes.

NM_172364.5(CACNA2D4):c.1508G>A (p.Ser503Asn)

Gene: CACNA2D4 (calcium voltage-gated channel auxiliary subunit alpha2delta 4; minus strand). Cytogenetic location: 12p13.33.
Variant type: single nucleotide variant.
Coding change: c.1508G>A on transcript NM_172364.5 (MANE Select); coding-DNA position 1508, G replaced by A.
Protein change: p.Ser503Asn; replaces serine 503 with asparagine.
Molecular consequence: missense variant.
Genome position (GRCh38, 1-based): chr12:1,879,859, C>T on the plus strand (G>A on the coding strand, the complement: CACNA2D4 is on the minus strand). VCF-style: chr12-1879859-C-T. GRCh37 (hg19) VCF-style: chr12-1989025-C-T.
Other names: short protein forms S503N.
Identifiers: ClinVar variation 307860 (VCV000307860.15), dbSNP rs77736644, ClinGen allele CA6387103.
Genomic context (GRCh38, chr12:1,879,859, plus strand): 5'-CTCACCGTTTCGTTCTTCTTGCTGAAGACTGGCATGGCCACAGTGGTGAGCAGTGTCAGG[C>T]TCTGAGCCTGCGAGCTGAGGAGCTGTAAGGGAGGGGAGAACAGGGGTCAGAAGGTGCGGC-3'
Protein context (NP_758952.4, residues 493-513): DSKLLSSQAQ[Ser503Asn]LTLLTTVAMP